The following is an entry in ClinVar:

ClinVar aggregate classification (germline): Benign/Likely benign. Review status: criteria provided, multiple submitters, no conflicts (2 of 4 stars). 5 submissions from 5 submitters: Benign (1); Likely benign (2). 2 of the submissions do not count toward it. Last evaluated 2026-01-28.

Conditions:
Dystrophin deficiency.
Duchenne muscular dystrophy (DMD). Also called: MUSCULAR DYSTROPHY, PSEUDOHYPERTROPHIC PROGRESSIVE, DUCHENNE TYPE; Duchenne Muscular Dystrophy (DMD). Identifiers: Orphanet 98896, MedGen C0013264, MONDO:0010679, OMIM 310200.
Cardiomyopathy (CMYO). Also called: Cardiomyopathies. Identifiers: Orphanet 167848, MedGen C0878544, MONDO:0004994, HP:0001638. Inheritance: Various modes of inheritance.
Becker muscular dystrophy (BMD). Also called: Becker Muscular Dystrophy (BMD); MUSCULAR DYSTROPHY, PSEUDOHYPERTROPHIC PROGRESSIVE, BECKER TYPE. Identifiers: Orphanet 98895, MedGen C0917713, MONDO:0010311, OMIM 300376.
DMD-related disorder. Also called: DMD-related condition.
Cardiovascular phenotype. Identifiers: MedGen CN230736.

Allele frequency attached by ClinVar (database versions not stated): TOPMed 0.00004; gnomAD 0.00005; gnomAD exomes 0.00013; ExAC 0.00015; 1000 Genomes Project 30x 0.00021; 1000 Genomes Project 0.00026.
gnomAD v4.1: 85 of 1,209,818 alleles (0.007%); highest among the groups gnomAD compares: South Asian, 0.13%; no homozygotes.

Submissions (5):

Labcorp Genetics (formerly Invitae), Labcorp
Classification: Benign for Duchenne muscular dystrophy. Last evaluated: 2026-01-28. Review status: criteria provided, single submitter. Criteria: Invitae Variant Classification Sherloc (09022015). Collection method: clinical testing. Allele origin: germline.

Blueprint Genetics
Classification: Likely benign. Last evaluated: 2024-07-26. Review status: criteria provided, single submitter. Criteria: ACMG Guidelines, 2015. Collection method: clinical testing. Allele origin: germline.

Ambry Genetics
Classification: Likely benign for Cardiovascular phenotype. Last evaluated: 2022-09-24. Review status: criteria provided, single submitter. Criteria: Ambry Variant Classification Scheme 2023. Collection method: clinical testing. Allele origin: germline.

Natera, Inc.
Classification: Likely benign for Becker muscular dystrophy; Cardiomyopathy; Duchenne muscular dystrophy; Dystrophin deficiency. Last evaluated: 2019-06-27. Review status: no assertion criteria provided. Collection method: clinical testing. Allele origin: germline. Not counted in ClinVar's aggregate classification.

PreventionGenetics, part of Exact Sciences
Classification: Likely benign for DMD-related condition. Last evaluated: 2019-04-15. Review status: no assertion criteria provided. Collection method: clinical testing. Allele origin: germline. Not counted in ClinVar's aggregate classification.
Comment: This variant is classified as likely benign based on ACMG/AMP sequence variant interpretation guidelines (Richards et al. 2015 PMID: 25741868, with internal and published modifications).

NM_004006.3(DMD):c.2667A>T (p.Arg889=)

Gene: DMD (dystrophin; minus strand). Cytogenetic location: Xp21.1.
Variant type: single nucleotide variant.
Coding change: c.2667A>T on transcript NM_004006.3 (MANE Select); coding-DNA position 2667, A replaced by T.
Protein change: p.Arg889=; no amino-acid change (arginine 889 retained).
Molecular consequence: synonymous variant.
Genome position (GRCh38, 1-based): chrX:32,485,055, T>A on the plus strand (A>T on the coding strand, the complement: DMD is on the minus strand). VCF-style: chrX-32485055-T-A. GRCh37 (hg19) VCF-style: chrX-32503172-T-A.
Other names: c.2643A>T, p.Arg881= (NM_000109.4); c.2655A>T, p.Arg885= (NM_004009.3); c.2298A>T, p.Arg766= (NM_004010.3).
Identifiers: ClinVar variation 455883 (VCV000455883.17), dbSNP rs759593799, ClinGen allele CA10379458.